The following is an entry in ClinVar:

ClinVar aggregate classification (germline): Uncertain significance (1 of 4 stars; one submission).

Submission:

Ambry Genetics
Classification: Uncertain significance. Last evaluated: 2025-03-25. Review status: criteria provided, single submitter. Criteria: Ambry Variant Classification Scheme 2023. Collection method: clinical testing. Allele origin: germline.
Comment: The p.R216W variant (also known as c.646C>T), located in coding exon 6 of the STAP1 gene, results from a C to T substitution at nucleotide position 646. The arginine at codon 216 is replaced by tryptophan, an amino acid with dissimilar properties. This amino acid position is conserved. In addition, this alteration is predicted to be deleterious by in silico analysis. Based on the available evidence, the clinical significance of this variant remains unclear.

NM_012108.4(STAP1):c.646C>T (p.Arg216Trp)

Gene: STAP1 (signal transducing adaptor family member 1; plus strand). Cytogenetic location: 4q13.2.
Variant type: single nucleotide variant.
Coding change: c.646C>T on transcript NM_012108.4 (MANE Select); coding-DNA position 646, C replaced by T.
Protein change: p.Arg216Trp; replaces arginine 216 with tryptophan.
Molecular consequence: missense variant.
Genome position (GRCh38, 1-based): chr4:67,583,689, C>T. VCF-style: chr4-67583689-C-T. GRCh37 (hg19) VCF-style: chr4-68449407-C-T.
Other names: c.646C>T, p.Arg216Trp (NM_001317769.2); short protein forms R216W.
Identifiers: ClinVar variation 3962932 (VCV003962932.1).